The following is an entry in ClinVar:

NM_031443.4(CCM2):c.617C>A (p.Ala206Glu)

Gene: CCM2 (CCM2 scaffold protein; plus strand). Cytogenetic location: 7p13.
Variant type: single nucleotide variant.
Coding change: c.617C>A on transcript NM_031443.4 (MANE Select); coding-DNA position 617, C replaced by A.
Protein change: p.Ala206Glu; replaces alanine 206 with glutamic acid.
Molecular consequence: missense variant. On other transcripts: non-coding transcript variant (1), intron variant (1).
Genome position (GRCh38, 1-based): chr7:45,069,833, C>A. VCF-style: chr7-45069833-C-A. GRCh37 (hg19) VCF-style: chr7-45109432-C-A.
Other names: c.680C>A, p.Ala227Glu (NM_001029835.2); c.443C>A, p.Ala148Glu (NM_001167934.2, NM_001363459.2); c.617C>A, p.Ala206Glu (NM_001363458.2); c.473-2893C>A (NM_001167935.2); short protein forms A227E, A148E, A206E.
Identifiers: ClinVar variation 1359502 (VCV001359502.8), dbSNP rs777710102, ClinGen allele CA367430503.

ClinVar aggregate classification (germline): Uncertain significance (1 of 4 stars; one submission).

Conditions:
Cerebral cavernous malformation 2. Also called: Familial Cerebral Cavernous Malformation 2. Identifiers: Orphanet 221061, MedGen C1864041, MONDO:0011304, OMIM 603284.

Submission:

Labcorp Genetics (formerly Invitae), Labcorp
Classification: Uncertain significance for Cerebral cavernous malformation 2. Last evaluated: 2024-08-28. Review status: criteria provided, single submitter. Criteria: Invitae Variant Classification Sherloc (09022015). Collection method: clinical testing. Allele origin: germline.
Comment: This sequence change replaces alanine, which is neutral and non-polar, with glutamic acid, which is acidic and polar, at codon 206 of the CCM2 protein (p.Ala206Glu). This variant is not present in population databases (gnomAD no frequency). This missense change has been observed in individual(s) with cerebral cavernous malformations (internal data). ClinVar contains an entry for this variant (Variation ID: 1359502). Invitae Evidence Modeling of protein sequence and biophysical properties (such as structural, functional, and spatial information, amino acid conservation, physicochemical variation, residue mobility, and thermodynamic stability) indicates that this missense variant is not expected to disrupt CCM2 protein function with a negative predictive value of 80%. In summary, the available evidence is currently insufficient to determine the role of this variant in disease. Therefore, it has been classified as a Variant of Uncertain Significance.